The following is an entry in ClinVar:

NM_000091.5(COL4A3):c.3007G>A (p.Gly1003Arg)

Genes: COL4A3 (collagen type IV alpha 3 chain; plus strand), MFF-DT (MFF divergent transcript; minus strand). Cytogenetic location: 2q36.3.
Variant type: single nucleotide variant.
Coding change: c.3007G>A on transcript NM_000091.5 (MANE Select); coding-DNA position 3007, G replaced by A.
Protein change: p.Gly1003Arg; replaces glycine 1003 with arginine.
Molecular consequence: missense variant.
Genome position (GRCh38, 1-based): chr2:227,290,025, G>A. VCF-style: chr2-227290025-G-A. GRCh37 (hg19) VCF-style: chr2-228154741-G-A.
Other names: short protein forms G1003R.
Identifiers: ClinVar variation 3586078 (VCV003586078.3).

ClinVar aggregate classification (germline): Conflicting classifications of pathogenicity. Review status: criteria provided, conflicting classifications (1 of 4 stars). 3 submissions from 3 submitters: Likely pathogenic (2); Uncertain significance (1). Last evaluated 2026-07-20.

Conditions:
Alport syndrome. Also called: Hemorrhagic familial nephritis; Hemorrhagic hereditary nephritis; Congenital hereditary hematuria. Identifiers: Orphanet 63, MedGen C1567741, MONDO:0018965.
Hematuria, benign familial, 2 (BFH2). Identifiers: MedGen C5830421, MONDO:0958186, OMIM 620320.
Alport syndrome 3b, autosomal recessive. Identifiers: MedGen C5882699, MONDO:0957811, OMIM 620536.
Autosomal dominant Alport syndrome (ATS3A). Also called: ALPORT SYNDROME 3A, AUTOSOMAL DOMINANT; Alport syndrome dominant type; Renal failure and sensorineural hearing loss. Identifiers: Orphanet 63, Orphanet 88918, MedGen C5882663, MONDO:0007086, OMIM 104200.

gnomAD v4.1: 2 of 1,614,054 alleles (0.00012%); highest among the groups gnomAD compares: African/African-American, 0.0013%; no homozygotes.

Submissions (3):

Myriad Genetics, Inc.
Classification: Uncertain significance for Alport syndrome. Last evaluated: 2026-07-20. Review status: criteria provided, single submitter. Criteria: Myriad Autosomal Dominant, Autosomal Recessive and X-Linked Classification Criteria (2023). Collection method: clinical testing. Allele origin: unknown.
Comment: NM_000091.4(COL4A3):c.3007G>A(G1003R) is a missense variant classified as a variant of uncertain significance in the context of Alport syndrome, COL4A3-related. G1003R has not been observed in cases with relevant disease. Relevant functional assessments of this variant are not available in the literature. G1003R has not been observed in referenced population frequency databases. In summary, there is insufficient evidence to classify NM_000091.4(COL4A3):c.3007G>A(G1003R) as pathogenic or benign. Please note: this variant was assessed in the context of healthy population screening.

Natera, Inc.
Classification: Likely pathogenic for Alport syndrome. Last evaluated: 2025-08-26. Review status: criteria provided, single submitter. Criteria: Natera Variant Classification Schema (03/2026). Collection method: clinical testing. Allele origin: germline.
Comment: The c.3007G>A variant in COL4A3 is a missense variant predicted to cause substitution of glycine to arginine at amino acid 1003. This variant is rare in the general population with a frequency below the threshold expected for the associated phenotype(s). This variant is located in a functionally critical region of the protein. Computational prediction algorithms indicate this variant is likely to affect gene or protein function. Given the available evidence, this variant is classified as Likely Pathogenic.

Fulgent Genetics
Classification: Likely pathogenic for Autosomal dominant Alport syndrome; Hematuria, benign familial, 2; Alport syndrome 3b, autosomal recessive. Last evaluated: 2024-05-14. Review status: criteria provided, single submitter. Criteria: ACMG Guidelines, 2015. Collection method: clinical testing. Allele origin: germline.